The following is an entry in ClinVar:

NM_018668.5(VPS33B):c.1351A>G (p.Thr451Ala)

Gene: VPS33B (VPS33B late endosome and lysosome associated; minus strand). Cytogenetic location: 15q26.1.
Variant type: single nucleotide variant.
Coding change: c.1351A>G on transcript NM_018668.5 (MANE Select); coding-DNA position 1351, A replaced by G.
Protein change: p.Thr451Ala; replaces threonine 451 with alanine.
Molecular consequence: missense variant.
Genome position (GRCh38, 1-based): chr15:91,002,104, T>C on the plus strand (A>G on the coding strand, the complement: VPS33B is on the minus strand). VCF-style: chr15-91002104-T-C. GRCh37 (hg19) VCF-style: chr15-91545334-T-C.
Other names: p.Thr451Ala; c.1270A>G, p.Thr424Ala (NM_001289148.1); c.1078A>G, p.Thr360Ala (NM_001289149.1); c.1351A>G (NM_018668.4); short protein forms T451A, T360A, T424A.
Identifiers: ClinVar variation 596028 (VCV000596028.14), dbSNP rs148809175, ClinGen allele CA7744676.
Genomic context (GRCh38, chr15:91,002,104, plus strand): 5'-GCTTACCTGCAGCCTTGTCGGTCACCAGCTTGCTCACTTTACTCTCCACGGCTGTGAGGG[T>C]GTCCCCGGGGGCCTGCTCCGTTAGGAGCCCAGCTCTTCGCAGATTGGAGAAGGTTAGCAG-3'
Protein context (NP_061138.3, residues 441-461): GLLTEQAPGD[Thr451Ala]LTAVESKVSK

ClinVar aggregate classification (germline): Uncertain significance. Review status: criteria provided, multiple submitters, no conflicts (2 of 4 stars). 6 submissions from 6 submitters: Uncertain significance (6). Last evaluated 2025-11-06.

Conditions:
Inborn genetic diseases. Identifiers: MedGen C0950123, MeSH D030342.
VPS33B-related disorder. Also called: VPS33B-related condition.

Allele frequency attached by ClinVar (database versions not stated): gnomAD exomes 0.00002 and 0.00005; ExAC 0.00003; gnomAD 0.00024 and 0.00025; TOPMed 0.00026; ESP Exome Variant Server 0.00038.
gnomAD v4.1: 75 of 1,614,140 alleles (0.0046%); highest among the groups gnomAD compares: African/African-American, 0.081%; no homozygotes.

Submissions (6):

Mayo Clinic Laboratories, Mayo Clinic
Classification: Uncertain significance. Last evaluated: 2025-11-06. Review status: criteria provided, single submitter. Criteria: ACMG Guidelines, 2015. Collection method: clinical testing. Allele origin: germline. Observed: 1 variant allele.
Comment: BP4_moderate

PreventionGenetics, part of Exact Sciences
Classification: Uncertain significance for VPS33B-related condition. Last evaluated: 2025-10-15. Review status: criteria provided, single submitter. Criteria: ACMG Guidelines, 2015. Collection method: clinical testing. Allele origin: germline.
Comment: The VPS33B c.1351A>G variant is predicted to result in the amino acid substitution p.Thr451Ala. To our knowledge, this variant has not been reported in the literature. This variant is reported in 0.068% of alleles in individuals of African descent in gnomAD. Although we suspect that this variant may be benign, at this time, the clinical significance of this variant is uncertain due to the absence of conclusive functional and genetic evidence.

Labcorp Genetics (formerly Invitae), Labcorp
Classification: Uncertain significance. Last evaluated: 2025-06-12. Review status: criteria provided, single submitter. Criteria: Invitae Variant Classification Sherloc (09022015). Collection method: clinical testing. Allele origin: germline.
Comment: This sequence change replaces threonine, which is neutral and polar, with alanine, which is neutral and non-polar, at codon 451 of the VPS33B protein (p.Thr451Ala). This variant is present in population databases (rs148809175, gnomAD 0.07%). This variant has not been reported in the literature in individuals affected with VPS33B-related conditions. ClinVar contains an entry for this variant (Variation ID: 596028). An algorithm developed to predict the effect of missense changes on protein structure and function outputs the following: PolyPhen-2: "Benign". The alanine amino acid residue is found in multiple mammalian species, which suggests that this missense change does not adversely affect protein function. In summary, the available evidence is currently insufficient to determine the role of this variant in disease. Therefore, it has been classified as a Variant of Uncertain Significance.

Ambry Genetics
Classification: Uncertain significance for Inborn genetic diseases. Last evaluated: 2024-10-03. Review status: criteria provided, single submitter. Criteria: Ambry Variant Classification Scheme 2023. Collection method: clinical testing. Allele origin: germline.

GeneDx
Classification: Uncertain significance. Last evaluated: 2022-02-19. Review status: criteria provided, single submitter. Criteria: GeneDx Variant Classification Process June 2021. Collection method: clinical testing. Allele origin: germline. Affected: yes.
Comment: In silico analysis supports that this missense variant does not alter protein structure/function; Has not been previously published as pathogenic or benign to our knowledge

Eurofins Ntd Llc (ga)
Classification: Uncertain significance. Last evaluated: 2018-02-06. Review status: criteria provided, single submitter. Criteria: EGL Classification Definitions 2015. Collection method: clinical testing. Allele origin: germline. Observed: 2 variant alleles, 2 heterozygotes.